The following is an entry in ClinVar:

ClinVar aggregate classification (germline): Likely benign (0 of 4 stars; one submission).

Conditions:
VWA2-related disorder. Also called: VWA2-related condition.

Allele frequency attached by ClinVar (database versions not stated): gnomAD 0.00013; gnomAD exomes 0.00016; 1000 Genomes Project 0.00020; 1000 Genomes Project 30x 0.00031; TOPMed 0.00032; ExAC 0.00075.
gnomAD v4.1: 242 of 1,614,186 alleles (0.015%); highest among the groups gnomAD compares: Admixed American, 0.39%; 1 homozygote.

Submission:

PreventionGenetics, part of Exact Sciences
Classification: Likely benign for VWA2-related condition. Last evaluated: 2020-01-03. Review status: no assertion criteria provided. Collection method: clinical testing. Allele origin: germline.
Comment: This variant is classified as likely benign based on ACMG/AMP sequence variant interpretation guidelines (Richards et al. 2015 PMID: 25741868, with internal and published modifications).

NM_001272046.2(VWA2):c.1708G>T (p.Val570Phe)

Genes: AFAP1L2 (actin filament associated protein 1 like 2; minus strand), VWA2 (von Willebrand factor A domain containing 2; plus strand). Cytogenetic location: 10q25.3.
Variant type: single nucleotide variant.
Coding change: c.1708G>T on transcript NM_001272046.2 (MANE Select); coding-DNA position 1708, G replaced by T.
Protein change: p.Val570Phe; replaces valine 570 with phenylalanine.
Molecular consequence: missense variant.
Genome position (GRCh38, 1-based): chr10:114,289,075, G>T. VCF-style: chr10-114289075-G-T. GRCh37 (hg19) VCF-style: chr10-116048834-G-T.
Other names: c.1708G>T, p.Val570Phe (NM_001320804.1); short protein forms V570F.
Identifiers: ClinVar variation 3046160 (VCV003046160.2), dbSNP rs201102050, ClinGen allele CA5700778.